The following is an entry in ClinVar:

NM_001384474.1(LOXHD1):c.6497C>G (p.Pro2166Arg)

Gene: LOXHD1 (lipoxygenase homology PLAT domains 1; minus strand). Cytogenetic location: 18q21.1.
Variant type: single nucleotide variant.
Coding change: c.6497C>G on transcript NM_001384474.1 (MANE Select); coding-DNA position 6497, C replaced by G.
Protein change: p.Pro2166Arg; replaces proline 2166 with arginine.
Molecular consequence: missense variant.
Genome position (GRCh38, 1-based): chr18:46,477,797, G>C on the plus strand (C>G on the coding strand, the complement: LOXHD1 is on the minus strand). VCF-style: chr18-46477797-G-C. GRCh37 (hg19) VCF-style: chr18-44057760-G-C.
Other names: c.3164C>G, p.Pro1055Arg (NM_001145472.3); c.1214C>G, p.Pro405Arg (NM_001145473.3, NM_001173129.2); c.2876C>G, p.Pro959Arg (NM_001308013.2); c.6311C>G, p.Pro2104Arg (NM_144612.7); short protein forms P2104R, P1055R, P959R, P405R, P2166R.
Identifiers: ClinVar variation 547922 (VCV000547922.7), dbSNP rs200198786, ClinGen allele CA402362796.
Genomic context (GRCh38, chr18:46,477,797, plus strand): 5'-CCTGTGTCTCCGTTGGCCCCAAAGATGGTCACGAAGACGTTGGCATCAGTGCCTGCCCCT[G>C]GCTCATAGCCTGTTGTCACGATGACTTCGTACTTGACGGGCACCAGGCTCTGGACCTTGC-3'
Protein context (NP_001371403.1, residues 2156-2176): YEVIVTTGYE[Pro2166Arg]GAGTDANVFV

ClinVar aggregate classification (germline): Uncertain significance. Review status: criteria provided, multiple submitters, no conflicts (2 of 4 stars). 3 submissions from 3 submitters: Uncertain significance (3). Last evaluated 2024-08-19.

Conditions:
Autosomal recessive nonsyndromic hearing loss 77. Identifiers: Orphanet 90636, MedGen C2746083, MONDO:0013119, OMIM 613079.
Inborn genetic diseases. Identifiers: MedGen C0950123, MeSH D030342.

Allele frequency attached by ClinVar (database versions not stated): gnomAD 0.00001; TOPMed 0.00001; gnomAD exomes 0.00003.
gnomAD v4.1: 66 of 1,551,732 alleles (0.0043%); highest among the groups gnomAD compares: Non-Finnish European, 0.0051%; no homozygotes.

Submissions (3):

Ambry Genetics
Classification: Uncertain significance for Inborn genetic diseases. Last evaluated: 2024-08-19. Review status: criteria provided, single submitter. Criteria: Ambry Variant Classification Scheme 2023. Collection method: clinical testing. Allele origin: germline.

Labcorp Genetics (formerly Invitae), Labcorp
Classification: Uncertain significance. Last evaluated: 2022-08-16. Review status: criteria provided, single submitter. Criteria: Invitae Variant Classification Sherloc (09022015). Collection method: clinical testing. Allele origin: germline.
Comment: This sequence change replaces proline, which is neutral and non-polar, with arginine, which is basic and polar, at codon 2104 of the LOXHD1 protein (p.Pro2104Arg). This variant is present in population databases (no rsID available, gnomAD 0.005%). This variant has not been reported in the literature in individuals affected with LOXHD1-related conditions. ClinVar contains an entry for this variant (Variation ID: 547922). Algorithms developed to predict the effect of missense changes on protein structure and function are either unavailable or do not agree on the potential impact of this missense change (SIFT: "Tolerated"; PolyPhen-2: "Possibly Damaging"; Align-GVGD: "Class C0"). In summary, the available evidence is currently insufficient to determine the role of this variant in disease. Therefore, it has been classified as a Variant of Uncertain Significance.

Mayo Clinic Laboratories, Mayo Clinic
Classification: Uncertain significance for Autosomal recessive nonsyndromic hearing loss 77. Last evaluated: 2017-01-27. Review status: criteria provided, single submitter. Criteria: ACMG Guidelines, 2015. Collection method: clinical testing. Allele origin: maternal.